The following is an entry in ClinVar:

NM_000124.4(ERCC6):c.3700C>T (p.Gln1234Ter)

Gene: ERCC6 (ERCC excision repair 6, chromatin remodeling factor; minus strand). Cytogenetic location: 10q11.23.
Variant type: single nucleotide variant.
Coding change: c.3700C>T on transcript NM_000124.4 (MANE Select); coding-DNA position 3700, C replaced by T.
Protein change: p.Gln1234Ter; replaces glutamine 1234 with a stop codon.
Molecular consequence: nonsense.
Genome position (GRCh38, 1-based): chr10:49,470,260, G>A on the plus strand (C>T on the coding strand, the complement: ERCC6 is on the minus strand). VCF-style: chr10-49470260-G-A. GRCh37 (hg19) VCF-style: chr10-50678306-G-A.
Other names: c.3700C>T, p.Gln1234Ter (NM_001346440.2); short protein forms Q1234*.
Identifiers: ClinVar variation 5014576 (VCV005014576.1).
Genomic context (GRCh38, chr10:49,470,260, plus strand): 5'-TTTCCAAAACATAATCGTCATTGCTCTGTTCCTTGGCCTCACTCTTGTTTTCACTGTCTT[G>A]CTTCTGGTAACGCCTTTTCTTCACCAGGTGTGGAATTCGAGTTCCTTCAAACTTGGCGTC-3'

ClinVar aggregate classification (germline): Pathogenic (1 of 4 stars; one submission).

Conditions:
Cockayne spectrum with or without cerebrooculofacioskeletal syndrome. Identifiers: MedGen CN315928, MONDO:0100506.

Submission:

Myriad Genetics, Inc.
Classification: Pathogenic for Cockayne spectrum with or without cerebrooculofacioskeletal syndrome. Last evaluated: 2025-06-10. Review status: criteria provided, single submitter. Criteria: Myriad Autosomal Dominant, Autosomal Recessive and X-Linked Classification Criteria (2023). Collection method: clinical testing. Allele origin: unknown.
Comment: NM_000124.2(ERCC6):c.3700C>T(Q1234*) is expected to be pathogenic in the context of ERCC6-related disorders. This variant is predicted to lead to an abnormal or absent protein product due to the creation of a premature termination codon in ERCC6, a gene where loss-of-function variants are known to be pathogenic. Please note: this variant was assessed in the context of healthy population screening.